The following is an entry in ClinVar:

ClinVar aggregate classification (germline): Uncertain significance (1 of 4 stars; one submission).

Conditions:
Symmetrical dyschromatosis of extremities (DSH). Also called: RETICULATE ACROPIGMENTATION OF DOHI; SYMMETRIC DYSCHROMATOSIS OF THE EXTREMITIES; Dyschromatosis symmetrica hereditaria; DYSCHROMATOSIS SYMMETRICA HEREDITARIA 1. Identifiers: Orphanet 41, MedGen C0406775, MONDO:0007483, OMIM 127400.
Aicardi-Goutieres syndrome 6 (AGS6). Identifiers: Orphanet 51, MedGen C3539013, MONDO:0014007, OMIM 615010.

gnomAD v4.1: 1 of 1,613,988 alleles (0.000062%); highest among the groups gnomAD compares: South Asian, 0.0011%; no homozygotes.

Submission:

Labcorp Genetics (formerly Invitae), Labcorp
Classification: Uncertain significance for Aicardi-Goutieres syndrome 6; Symmetrical dyschromatosis of extremities. Last evaluated: 2024-03-21. Review status: criteria provided, single submitter. Criteria: Invitae Variant Classification Sherloc (09022015). Collection method: clinical testing. Allele origin: germline.
Comment: This sequence change replaces phenylalanine, which is neutral and non-polar, with leucine, which is neutral and non-polar, at codon 1221 of the ADAR protein (p.Phe1221Leu). This variant is present in population databases (no rsID available, gnomAD 0.003%). This variant has not been reported in the literature in individuals affected with ADAR-related conditions. Advanced modeling of protein sequence and biophysical properties (such as structural, functional, and spatial information, amino acid conservation, physicochemical variation, residue mobility, and thermodynamic stability) has been performed at Invitae for this missense variant, however the output from this modeling did not meet the statistical confidence thresholds required to predict the impact of this variant on ADAR protein function. In summary, the available evidence is currently insufficient to determine the role of this variant in disease. Therefore, it has been classified as a Variant of Uncertain Significance.

NM_001111.5(ADAR):c.3661T>C (p.Phe1221Leu)

Gene: ADAR (adenosine deaminase RNA specific; minus strand). Cytogenetic location: 1q21.3.
Variant type: single nucleotide variant.
Coding change: c.3661T>C on transcript NM_001111.5 (MANE Select); coding-DNA position 3661, T replaced by C.
Protein change: p.Phe1221Leu; replaces phenylalanine 1221 with leucine.
Molecular consequence: missense variant.
Genome position (GRCh38, 1-based): chr1:154,584,826, A>G on the plus strand (T>C on the coding strand, the complement: ADAR is on the minus strand). VCF-style: chr1-154584826-A-G. GRCh37 (hg19) VCF-style: chr1-154557302-A-G.
Other names: c.2776T>C, p.Phe926Leu (NM_001025107.3, NM_001193495.2, NM_001365046.1 and 2 more transcripts); c.3688T>C, p.Phe1230Leu (NM_001365045.1); c.2698T>C, p.Phe900Leu (NM_001365049.1); c.3583T>C, p.Phe1195Leu (NM_015840.4); c.3526T>C, p.Phe1176Leu (NM_015841.4); short protein forms F1176L, F1195L, F1221L, F1230L, F900L, F926L.
Identifiers: ClinVar variation 3755190 (VCV003755190.2).
Genomic context (GRCh38, chr1:154,584,826, plus strand): 5'-CTAGTATGACACACCCTAATCCATCTGTCACTGGAGCATACTATACTGGGCAGAGATAAA[A>G]GTTCTTTTCCTCCTGGGGTTTGCTAATCCAGTTCCCATAGCCCATATCCTTCAGGCCTTT-3'
Protein context (NP_001102.3, residues 1211-1226): WISKPQEEKN[Phe1221Leu]YLCPV